The following is an entry in ClinVar:

NM_001127222.2(CACNA1A):c.2881C>T (p.His961Tyr)

Gene: CACNA1A (calcium voltage-gated channel subunit alpha1 A; minus strand). Cytogenetic location: 19p13.13.
Variant type: single nucleotide variant.
Coding change: c.2881C>T on transcript NM_001127222.2 (MANE Select); coding-DNA position 2881, C replaced by T.
Protein change: p.His961Tyr; replaces histidine 961 with tyrosine.
Molecular consequence: missense variant.
Genome position (GRCh38, 1-based): chr19:13,298,752, G>A on the plus strand (C>T on the coding strand, the complement: CACNA1A is on the minus strand). VCF-style: chr19-13298752-G-A. GRCh37 (hg19) VCF-style: chr19-13409566-G-A.
Other names: c.2893C>T, p.His965Tyr (NM_000068.4, NM_023035.3); c.2884C>T, p.His962Tyr (NM_001127221.2, NM_001174080.2); short protein forms H962Y, H965Y, H961Y.
Identifiers: ClinVar variation 1391797 (VCV001391797.10), dbSNP rs1406066197, ClinGen allele CA404342531.

ClinVar aggregate classification (germline): Conflicting classifications of pathogenicity. Review status: criteria provided, conflicting classifications (1 of 4 stars). 3 submissions from 3 submitters: Uncertain significance (2); Likely benign (1). Last evaluated 2025-01-08.

Conditions:
Developmental and epileptic encephalopathy, 42 (DEE42A). Also called: Epileptic encephalopathy, early infantile, 42; DEVELOPMENTAL AND EPILEPTIC ENCEPHALOPATHY 42A; EPILEPTIC ENCEPHALOPATHY, EARLY INFANTILE, 42A. Identifiers: MedGen C4310716, MONDO:0014917, OMIM 617106.
Episodic ataxia type 2 (EA2). Also called: EPISODIC ATAXIA, NYSTAGMUS-ASSOCIATED; ACETAZOLAMIDE-RESPONSIVE HEREDITARY PAROXYSMAL CEREBELLAR ATAXIA; ATAXIA, EPISODIC, WITH NYSTAGMUS; ATAXIA, FAMILIAL PAROXYSMAL; CEREBELLAR ATAXIA, PAROXYSMAL, ACETAZOLAMIDE-RESPONSIVE; CEREBELLOPATHY, HEREDITARY PAROXYSMAL. Identifiers: Orphanet 97, MedGen C1720416, MONDO:0007163, OMIM 108500.

Allele frequency attached by ClinVar (database versions not stated): gnomAD 0.00003 and 0.00004.

Submissions (3):

GeneDx
Classification: Uncertain significance. Last evaluated: 2025-01-08. Review status: criteria provided, single submitter. Criteria: GeneDx Variant Classification Process June 2021. Collection method: clinical testing. Allele origin: germline. Affected: yes.
Comment: Not observed at significant frequency in large population cohorts (gnomAD); In silico analysis supports that this missense variant has a deleterious effect on protein structure/function; Has not been previously published as pathogenic or benign to our knowledge

Labcorp Genetics (formerly Invitae), Labcorp
Classification: Likely benign for Developmental and epileptic encephalopathy, 42; Episodic ataxia type 2. Last evaluated: 2022-08-10. Review status: criteria provided, single submitter. Criteria: Invitae Variant Classification Sherloc (09022015). Collection method: clinical testing. Allele origin: germline.

New York Genome Center
Classification: Uncertain significance for Developmental and epileptic encephalopathy, 42. Last evaluated: 2021-08-20. Review status: criteria provided, single submitter. Criteria: NYGC Assertion Criteria 2020. Collection method: clinical testing. Allele origin: germline. Observed: 1 heterozygote. Study: CSER-NYCKidSeq.